The following is an entry in ClinVar:

ClinVar aggregate classification (germline): Benign/Likely benign. Review status: criteria provided, multiple submitters, no conflicts (2 of 4 stars). 12 submissions from 12 submitters: Benign (2); Likely benign (9). 1 of the submissions does not count toward it. Last evaluated 2026-01-17.

Conditions:
Breast and/or ovarian cancer. Identifiers: MedGen CN221562.
Familial cancer of breast. Also called: hereditary breast carcinoma; Hereditary breast cancer; BREAST CANCER, FAMILIAL. Identifiers: Orphanet 227535, MedGen C0346153, MONDO:0016419, OMIM 114480. Disease mechanism: loss of function.
ATM-related disorder. Also called: ATM-related disorders; ATM-related condition.
Ataxia-telangiectasia syndrome (AT). Also called: Cerebello-oculocutaneous telangiectasia; Immunodeficiency with ataxia telangiectasia; Ataxia-telangiectasia, complementation group E; Ataxia telangiectasia (A-T); LOUIS-BAR SYNDROME; Ataxia-telangiectasia, complementation group D. Identifiers: Orphanet 100, MedGen C0004135, MONDO:0008840, OMIM 208900.
Hereditary cancer-predisposing syndrome. Also called: Neoplastic Syndromes, Hereditary; Hereditary neoplastic syndrome; Hereditary Cancer Syndrome; Tumor predisposition. Identifiers: Orphanet 140162, MedGen C0027672, MeSH D009386, MONDO:0015356.

Allele frequency attached by ClinVar (database versions not stated): gnomAD exomes 0.00002 and 0.00006; ExAC 0.00003; TOPMed 0.00006; gnomAD 0.00008 and 0.00009.
gnomAD v4.1: 95 of 1,613,866 alleles (0.0059%); highest among the groups gnomAD compares: Non-Finnish European, 0.0076%; no homozygotes.

Submissions (12):

Labcorp Genetics (formerly Invitae), Labcorp
Classification: Likely benign for Ataxia-telangiectasia syndrome. Last evaluated: 2026-01-17. Review status: criteria provided, single submitter. Criteria: Invitae Variant Classification Sherloc (09022015). Collection method: clinical testing. Allele origin: germline.

Women's Health and Genetics/Laboratory Corporation of America, LabCorp
Classification: Likely benign. Last evaluated: 2025-10-10. Review status: criteria provided, single submitter. Criteria: LabCorp Variant Classification Summary - May 2015. Collection method: clinical testing. Allele origin: germline.

Center for Genomic Medicine, Rigshospitalet, Copenhagen University Hospital
Classification: Likely benign. Last evaluated: 2025-03-04. Review status: criteria provided, single submitter. Criteria: ACMG Guidelines, 2015. Collection method: clinical testing. Allele origin: germline.

Quest Diagnostics Nichols Institute San Juan Capistrano
Classification: Likely benign. Last evaluated: 2025-02-06. Review status: criteria provided, single submitter. Criteria: Quest Diagnostics criteria. Collection method: clinical testing. Allele origin: unknown.

Myriad Genetics, Inc.
Classification: Benign for Familial cancer of breast. Last evaluated: 2024-05-23. Review status: criteria provided, single submitter. Criteria: Myriad Autosomal Dominant, Autosomal Recessive and X-Linked Classification Criteria (2023). Collection method: clinical testing. Allele origin: unknown.
Comment: This variant is considered benign. This variant is a silent/synonymous amino acid change and it is not expected to impact splicing.

Blueprint Genetics
Classification: Likely benign. Last evaluated: 2023-09-27. Review status: criteria provided, single submitter. Criteria: ACMG Guidelines, 2015. Collection method: clinical testing. Allele origin: germline.

CHEO Genetics Diagnostic Laboratory, Children's Hospital of Eastern Ontario
Classification: Likely benign for Breast and/or ovarian cancer. Last evaluated: 2021-08-30. Review status: criteria provided, single submitter. Criteria: ACMG Guidelines, 2015. Collection method: clinical testing. Allele origin: germline.

Sema4
Classification: Likely benign for Hereditary cancer-predisposing syndrome. Last evaluated: 2021-01-01. Review status: criteria provided, single submitter. Criteria: Sema4 Curation Guidelines. Collection method: curation. Allele origin: germline.

Color Diagnostics, LLC DBA Color Health
Classification: Likely benign for Hereditary cancer-predisposing syndrome. Last evaluated: 2016-05-03. Review status: criteria provided, single submitter. Criteria: ACMG Guidelines, 2015. Collection method: clinical testing. Allele origin: germline.

Ambry Genetics
Classification: Likely benign for Hereditary cancer-predisposing syndrome. Last evaluated: 2015-07-16. Review status: criteria provided, single submitter. Criteria: Ambry Variant Classification Scheme 2023. Collection method: clinical testing. Allele origin: germline.

GeneDx
Classification: Benign. Last evaluated: 2015-03-03. Review status: criteria provided, single submitter. Criteria: GeneDx Variant Classification Process June 2021. Collection method: clinical testing. Allele origin: germline. Affected: yes.

PreventionGenetics, part of Exact Sciences
Classification: Likely benign for ATM-related condition. Last evaluated: 2023-09-08. Review status: no assertion criteria provided. Collection method: clinical testing. Allele origin: germline. Not counted in ClinVar's aggregate classification.
Comment: This variant is classified as likely benign based on ACMG/AMP sequence variant interpretation guidelines (Richards et al. 2015 PMID: 25741868, with internal and published modifications).

NM_000051.4(ATM):c.5583G>A (p.Leu1861=)

Gene: ATM (ATM serine/threonine kinase; plus strand). Cytogenetic location: 11q22.3.
Variant type: single nucleotide variant.
Coding change: c.5583G>A on transcript NM_000051.4 (MANE Select); coding-DNA position 5583, G replaced by A.
Protein change: p.Leu1861=; no amino-acid change (leucine 1861 retained).
Molecular consequence: synonymous variant.
Genome position (GRCh38, 1-based): chr11:108,304,761, G>A. VCF-style: chr11-108304761-G-A. GRCh37 (hg19) VCF-style: chr11-108175488-G-A.
Other names: c.5583G>A, p.Leu1861= (NM_001351834.2).
Identifiers: ClinVar variation 232961 (VCV000232961.29), dbSNP rs781383087, ClinGen allele CA6265731.